The following is an entry in ClinVar:

NM_001211.6(BUB1B):c.2203C>T (p.Pro735Ser)

Gene: BUB1B (BUB1 mitotic checkpoint serine/threonine kinase B; plus strand). Cytogenetic location: 15q15.1.
Variant type: single nucleotide variant.
Coding change: c.2203C>T on transcript NM_001211.6 (MANE Select); coding-DNA position 2203, C replaced by T.
Protein change: p.Pro735Ser; replaces proline 735 with serine.
Molecular consequence: missense variant.
Genome position (GRCh38, 1-based): chr15:40,209,694, C>T. VCF-style: chr15-40209694-C-T. GRCh37 (hg19) VCF-style: chr15-40501895-C-T.
Other names: short protein forms P735S.
Identifiers: ClinVar variation 1787664 (VCV001787664.2), dbSNP rs748748604, ClinGen allele CA391694342.

ClinVar aggregate classification (germline): Uncertain significance (1 of 4 stars; one submission).

Conditions:
Inborn genetic diseases. Identifiers: MedGen C0950123, MeSH D030342.

Submission:

Ambry Genetics
Classification: Uncertain significance for Inborn genetic diseases. Last evaluated: 2021-09-08. Review status: criteria provided, single submitter. Criteria: Ambry Variant Classification Scheme 2023. Collection method: clinical testing. Allele origin: germline.
Comment: The p.P735S variant (also known as c.2203C>T), located in coding exon 17 of the BUB1B gene, results from a C to T substitution at nucleotide position 2203. The proline at codon 735 is replaced by serine, an amino acid with similar properties. This amino acid position is conserved. In addition, this alteration is predicted to be tolerated by in silico analysis. Since supporting evidence is limited at this time, the clinical significance of this alteration remains unclear.